The following is an entry in ClinVar:

Single allele

Gene: SCN2A (sodium voltage-gated channel alpha subunit 2; plus strand). Cytogenetic location: 2q24.3.
Variant type: Deletion.
Identifiers: ClinVar variation 3571505 (VCV003571505.1).

ClinVar aggregate classification (germline): Pathogenic (1 of 4 stars; one submission).

Submission:

Athena Diagnostics
Classification: Pathogenic. Last evaluated: 2024-11-07. Review status: criteria provided, single submitter. Criteria: Athena Diagnostics Criteria. Collection method: clinical testing. Allele origin: unknown.
Comment: This deletion includes all protein-coding segments of the SCN2A gene and is expected to result in the loss of a functional protein. Similar deletions of the SCN2A gene have not been reported in large, multi-ethnic general populations. A similar deletion of the SCN2A gene has been reported in at least one individual with an SCN2A-related disorder.

Literature cited by the submitters: PubMed 34926809.